The following is an entry in ClinVar:

NM_006306.4(SMC1A):c.3072C>T (p.Asn1024=)

Gene: SMC1A (structural maintenance of chromosomes 1A; minus strand). Cytogenetic location: Xp11.22.
Variant type: single nucleotide variant.
Coding change: c.3072C>T on transcript NM_006306.4 (MANE Select); coding-DNA position 3072, C replaced by T.
Protein change: p.Asn1024=; no amino-acid change (asparagine 1024 retained).
Molecular consequence: synonymous variant.
Genome position (GRCh38, 1-based): chrX:53,383,155, G>A on the plus strand (C>T on the coding strand, the complement: SMC1A is on the minus strand). VCF-style: chrX-53383155-G-A. GRCh37 (hg19) VCF-style: chrX-53410076-G-A.
Other names: c.3006C>T, p.Asn1002= (NM_001281463.1).
Identifiers: ClinVar variation 3772354 (VCV003772354.13).

ClinVar aggregate classification (germline): Likely benign (1 of 4 stars; one submission).

Submission:

CeGaT Center for Human Genetics Tuebingen
Classification: Likely benign. Last evaluated: 2025-01-01. Review status: criteria provided, single submitter. Criteria: CeGaT Center For Human Genetics Tuebingen Variant Classification Criteria Version 2. Collection method: clinical testing. Allele origin: germline. Affected: yes. Observed: 1 variant allele.
Comment: SMC1A: PM2:Supporting, BP4, BP7